The following is an entry in ClinVar:

ClinVar aggregate classification (germline): Uncertain significance (1 of 4 stars; one submission).

gnomAD v4.1: 1 of 1,594,100 alleles (0.000063%); highest among the groups gnomAD compares: East Asian, 0.0022%; no homozygotes.

Submission:

Ambry Genetics
Classification: Uncertain significance. Last evaluated: 2024-08-05. Review status: criteria provided, single submitter. Criteria: Ambry Variant Classification Scheme 2023. Collection method: clinical testing. Allele origin: germline.
Comment: The p.D118G variant (also known as c.353A>G), located in coding exon 4 of the RPS20 gene, results from an A to G substitution at nucleotide position 353. The aspartic acid at codon 118 is replaced by glycine, an amino acid with similar properties. This amino acid position is conserved. In addition, this alteration is predicted to be deleterious by in silico analysis. Based on the available evidence, the clinical significance of this variant remains unclear.

NM_001023.4(RPS20):c.353A>G (p.Asp118Gly)

Gene: RPS20 (ribosomal protein S20; minus strand). Cytogenetic location: 8q12.1.
Variant type: single nucleotide variant.
Coding change: c.353A>G on transcript NM_001023.4 (MANE Select); coding-DNA position 353, A replaced by G.
Protein change: p.Asp118Gly; replaces aspartic acid 118 with glycine.
Molecular consequence: missense variant. On other transcripts: intron variant (1).
Genome position (GRCh38, 1-based): chr8:56,073,097, T>C on the plus strand (A>G on the coding strand, the complement: RPS20 is on the minus strand). VCF-style: chr8-56073097-T-C. GRCh37 (hg19) VCF-style: chr8-56985656-T-C.
Other names: c.333+20A>G (NM_001146227.3); short protein forms D118G.
Identifiers: ClinVar variation 3435315 (VCV003435315.1).
Genomic context (GRCh38, chr8:56,073,097, plus strand): 5'-ATAAAAACCAACAGAAGTTAACAACTGGTCATCAATTTATTAAAATAGTTGACTTAAGCA[T>C]CTGCAATGGTGACTTCCACCTCAACTCCTGGCTCAATACTGATGGAAGTAATCTGCTTAA-3'
Protein context (NP_001014.1, residues 108-119): PGVEVEVTIA[Asp118Gly]A